The following is an entry in ClinVar:

NM_015404.4(WHRN):c.919A>G (p.Thr307Ala)

Gene: WHRN (whirlin; minus strand). Cytogenetic location: 9q32.
Variant type: single nucleotide variant.
Coding change: c.919A>G on transcript NM_015404.4 (MANE Select); coding-DNA position 919, A replaced by G.
Protein change: p.Thr307Ala; replaces threonine 307 with alanine.
Molecular consequence: missense variant. On other transcripts: 5 prime UTR variant (1).
Genome position (GRCh38, 1-based): chr9:114,466,311, T>C on the plus strand (A>G on the coding strand, the complement: WHRN is on the minus strand). VCF-style: chr9-114466311-T-C. GRCh37 (hg19) VCF-style: chr9-117228591-T-C.
Other names: c.-231A>G (NM_001083885.3); c.919A>G, p.Thr307Ala (NM_001173425.2); short protein forms T307A.
Identifiers: ClinVar variation 1301730 (VCV001301730.2), dbSNP rs2132955317, ClinGen allele CA374619501.

ClinVar aggregate classification (germline): Uncertain significance (1 of 4 stars; one submission).

Submission:

Dubai Health Genomic Medicine Center, Dubai Health
Classification: Uncertain significance. Last evaluated: 2020-01-08. Review status: criteria provided, single submitter. Criteria: ACMG Guidelines, 2015. Collection method: clinical testing. Allele origin: germline. Affected: yes.
Comment: The p.Thr307Ala missense variant in WHRN has not been previously reported in individuals with hearing loss and is absent from large population studies such as the Genome Aggreagtion Database (gnomAD) and the Greater Middle East (GME) variome Database. Conservation analysis and computational prediction tools suggest an impact to protein function though this information is not predictive enough to confirm pathogenicity. In summary more information is needed to determine the clinical significance of this variant.